The following is an entry in ClinVar:

ClinVar aggregate classification (germline): Benign/Likely benign. Review status: criteria provided, multiple submitters, no conflicts (2 of 4 stars). 7 submissions from 7 submitters: Benign (1); Likely benign (5). 1 of the submissions does not count toward it. Last evaluated 2025-12-14.

Conditions:
Familial adenomatous polyposis 1 (FAP1). Also called: POLYPOSIS, ADENOMATOUS INTESTINAL; FAMILIAL ADENOMATOUS POLYPOSIS 1, ATTENUATED. Identifiers: MedGen C2713442, MONDO:0021056, OMIM 175100. Disease mechanism: loss of function.
Hereditary cancer-predisposing syndrome. Also called: Hereditary Cancer Syndrome; Neoplastic Syndromes, Hereditary; Tumor predisposition; Hereditary neoplastic syndrome. Identifiers: Orphanet 140162, MedGen C0027672, MeSH D009386, MONDO:0015356.
Classic or attenuated familial adenomatous polyposis. Identifiers: MedGen CN372698, MONDO:0021057.
APC-related disorder. Also called: APC-related condition.

Allele frequency attached by ClinVar (database versions not stated): ExAC 0.00001; gnomAD 0.00001; gnomAD exomes 0.00002; TOPMed 0.00003.
gnomAD v4.1: 8 of 1,613,770 alleles (0.0005%); highest among the groups gnomAD compares: Admixed American, 0.012%; no homozygotes.

Submissions (7):

Labcorp Genetics (formerly Invitae), Labcorp
Classification: Likely benign for Familial adenomatous polyposis 1. Last evaluated: 2025-12-14. Review status: criteria provided, single submitter. Criteria: Invitae Variant Classification Sherloc (09022015). Collection method: clinical testing. Allele origin: germline.

All of Us Research Program, National Institutes of Health
Classification: Likely benign for Classic or attenuated familial adenomatous polyposis. Last evaluated: 2024-08-06. Review status: criteria provided, single submitter. Criteria: ACMG Guidelines, 2015. Collection method: clinical testing. Allele origin: germline. Inheritance: Autosomal dominant inheritance. Observed: 2 variant alleles, 2 heterozygotes.
Comment: This study involves interpretation of variants in research participants for the purpose of population health screening. Participant phenotype was not available at the time of variant classification. Additional details can be found in publication PMID: 35346344, PMCID: PMC8962531

Myriad Genetics, Inc.
Classification: Benign for Familial adenomatous polyposis 1. Last evaluated: 2024-04-03. Review status: criteria provided, single submitter. Criteria: Myriad Autosomal Dominant, Autosomal Recessive and X-Linked Classification Criteria (2023). Collection method: clinical testing. Allele origin: unknown.
Comment: This variant is considered benign. This variant is a silent/synonymous amino acid change and it is not expected to impact splicing.

Women's Health and Genetics/Laboratory Corporation of America, LabCorp
Classification: Likely benign. Last evaluated: 2019-10-03. Review status: criteria provided, single submitter. Criteria: LabCorp Variant Classification Summary - May 2015. Collection method: clinical testing. Allele origin: germline.

Ambry Genetics
Classification: Likely benign for Hereditary cancer-predisposing syndrome. Last evaluated: 2018-01-02. Review status: criteria provided, single submitter. Criteria: Ambry Variant Classification Scheme 2023. Collection method: clinical testing. Allele origin: germline.

Color Diagnostics, LLC DBA Color Health
Classification: Likely benign for Hereditary cancer-predisposing syndrome. Last evaluated: 2017-09-20. Review status: criteria provided, single submitter. Criteria: ACMG Guidelines, 2015. Collection method: clinical testing. Allele origin: germline.

PreventionGenetics, part of Exact Sciences
Classification: Likely benign for APC-related condition. Last evaluated: 2022-01-18. Review status: no assertion criteria provided. Collection method: clinical testing. Allele origin: germline. Not counted in ClinVar's aggregate classification.
Comment: This variant is classified as likely benign based on ACMG/AMP sequence variant interpretation guidelines (Richards et al. 2015 PMID: 25741868, with internal and published modifications).

NM_000038.6(APC):c.5976C>A (p.Pro1992=)

Gene: APC (APC regulator of Wnt signaling pathway; plus strand). Cytogenetic location: 5q22.2.
Variant type: single nucleotide variant.
Coding change: c.5976C>A on transcript NM_000038.6 (MANE Select); coding-DNA position 5976, C replaced by A.
Protein change: p.Pro1992=; no amino-acid change (proline 1992 retained).
Molecular consequence: synonymous variant.
Genome position (GRCh38, 1-based): chr5:112,841,570, C>A. VCF-style: chr5-112841570-C-A. GRCh37 (hg19) VCF-style: chr5-112177267-C-A.
Other names: c.5976C>A, p.Pro1992= (NM_001127510.3, NM_001354895.2); c.5922C>A, p.Pro1974= (NM_001127511.3); c.6030C>A, p.Pro2010= (NM_001354896.2); c.6006C>A, p.Pro2002= (NM_001354897.2); c.5901C>A, p.Pro1967= (NM_001354898.2); c.5892C>A, p.Pro1964= (NM_001354899.2); c.5853C>A, p.Pro1951= (NM_001354900.2); c.5799C>A, p.Pro1933= (NM_001354901.2); and 5 more.
Identifiers: ClinVar variation 490324 (VCV000490324.24), dbSNP rs768878237, ClinGen allele CA043569.